The following is an entry in ClinVar:

ClinVar aggregate classification (germline): Conflicting classifications of pathogenicity. Review status: criteria provided, conflicting classifications (1 of 4 stars). 3 submissions from 3 submitters: Uncertain significance (2); Likely benign (1). Last evaluated 2025-11-25.

Conditions:
Inborn genetic diseases. Identifiers: MedGen C0950123, MeSH D030342.

Allele frequency attached by ClinVar (database versions not stated): ExAC 0.00001; gnomAD exomes 0.00006; gnomAD 0.00015 and 0.00016; TOPMed 0.00015; 1000 Genomes Project 30x 0.00016; 1000 Genomes Project 0.00020.
gnomAD v4.1: 47 of 1,614,120 alleles (0.0029%); highest among the groups gnomAD compares: Admixed American, 0.067%; no homozygotes.

Submissions (3):

Labcorp Genetics (formerly Invitae), Labcorp
Classification: Uncertain significance. Last evaluated: 2025-11-25. Review status: criteria provided, single submitter. Criteria: Invitae Variant Classification Sherloc (09022015). Collection method: clinical testing. Allele origin: germline.
Comment: This sequence change replaces leucine, which is neutral and non-polar, with phenylalanine, which is neutral and non-polar, at codon 2314 of the VCAN protein (p.Leu2314Phe). This variant is present in population databases (rs200475561, gnomAD 0.04%), and has an allele count higher than expected for a pathogenic variant. This variant has not been reported in the literature in individuals affected with VCAN-related conditions. ClinVar contains an entry for this variant (Variation ID: 848925). An algorithm developed to predict the effect of missense changes on protein structure and function outputs the following: PolyPhen-2: "Benign". The phenylalanine amino acid residue is found in multiple mammalian species, which suggests that this missense change does not adversely affect protein function. In summary, the available evidence is currently insufficient to determine the role of this variant in disease. Therefore, it has been classified as a Variant of Uncertain Significance.

Ambry Genetics
Classification: Uncertain significance for Inborn genetic diseases. Last evaluated: 2024-04-01. Review status: criteria provided, single submitter. Criteria: Ambry Variant Classification Scheme 2023. Collection method: clinical testing. Allele origin: germline.

Blueprint Genetics
Classification: Likely benign. Last evaluated: 2023-01-23. Review status: criteria provided, single submitter. Criteria: ACMG Guidelines, 2015. Collection method: clinical testing. Allele origin: germline.

NM_004385.5(VCAN):c.6940C>T (p.Leu2314Phe)

Genes: VCAN (versican; plus strand), VCAN-AS1 (VCAN antisense RNA 1; minus strand). Cytogenetic location: 5q14.3.
Variant type: single nucleotide variant.
Coding change: c.6940C>T on transcript NM_004385.5 (MANE Select); coding-DNA position 6940, C replaced by T.
Protein change: p.Leu2314Phe; replaces leucine 2314 with phenylalanine.
Molecular consequence: missense variant. On other transcripts: intron variant (2).
Genome position (GRCh38, 1-based): chr5:83,539,943, C>T. VCF-style: chr5-83539943-C-T. GRCh37 (hg19) VCF-style: chr5-82835762-C-T.
Other names: c.3979C>T, p.Leu1327Phe (NM_001164097.2); c.4004-5594C>T (NM_001164098.2); c.1043-5594C>T (NM_001126336.3); short protein forms L1327F, L2314F.
Identifiers: ClinVar variation 848925 (VCV000848925.10), dbSNP rs200475561, ClinGen allele CA3333550.
Genomic context (GRCh38, chr5:83,539,943, plus strand): 5'-TCAAGTGACAAAATTGAAGACTTTAACAGAATGGAAAATGTGGCAAAAGAAGTTGGACCA[C>T]TCGTATCTCAAACAGACATCTTTGAAGGTAGTGGGTCAGTAACCAGCACAACATTAATAG-3'
Protein context (NP_004376.2, residues 2304-2324): MENVAKEVGP[Leu2314Phe]VSQTDIFEGS